The following is an entry in ClinVar:

NM_001204.7(BMPR2):c.648_658delinsGATATGGAC (p.Val217fs)

Gene: BMPR2 (bone morphogenetic protein receptor type 2; plus strand). Cytogenetic location: 2q33.2.
Variant type: Indel.
Coding change: c.648_658delinsGATATGGAC on transcript NM_001204.7 (MANE Select); coding-DNA positions 648 to 658, AGTATATAAAG replaced by GATATGGAC.
Protein change: p.Val217fs; shifts the reading frame from valine 217.
Molecular consequence: frameshift variant.
Genome position (GRCh38, 1-based): chr2:202,518,848-202,518,858, AGTATATAAAG replaced by GATATGGAC. VCF-style: chr2-202518848-AGTATATAAAG-GATATGGAC. GRCh37 (hg19) VCF-style: chr2-203383571-AGTATATAAAG-GATATGGAC.
Other names: short protein forms V217fs.
Identifiers: ClinVar variation 3390288 (VCV003390288.14).
Genomic context (GRCh38, chr2:202,518,848, plus strand): 5'-TATTAATACCTTGCTTTCTTTAAAACACTTGCAGCTGATTGGCCGAGGTCGATATGGAGC[AGTATATAAAG>GATATGGAC]GCTCCTTGGATGAGCGTCCAGTTGCTGTAAAAGTGTTTTCCTTTGCAAACCGTCAGAATT-3'

ClinVar aggregate classification (germline): Pathogenic (1 of 4 stars; one submission).

Submission:

CeGaT Center for Human Genetics Tuebingen
Classification: Pathogenic. Last evaluated: 2024-10-01. Review status: criteria provided, single submitter. Criteria: CeGaT Center For Human Genetics Tuebingen Variant Classification Criteria Version 2. Collection method: clinical testing. Allele origin: germline. Affected: yes. Observed: 1 variant allele.
Comment: BMPR2: PVS1, PM2